The following is an entry in ClinVar:

NM_001844.5(COL2A1):c.2267G>A (p.Gly756Glu)

Gene: COL2A1 (collagen type II alpha 1 chain; minus strand). Cytogenetic location: 12q13.11.
Variant type: single nucleotide variant.
Coding change: c.2267G>A on transcript NM_001844.5 (MANE Select); coding-DNA position 2267, G replaced by A.
Protein change: p.Gly756Glu; replaces glycine 756 with glutamic acid.
Molecular consequence: missense variant.
Genome position (GRCh38, 1-based): chr12:47,982,536, C>T on the plus strand (G>A on the coding strand, the complement: COL2A1 is on the minus strand). VCF-style: chr12-47982536-C-T. GRCh37 (hg19) VCF-style: chr12-48376319-C-T.
Other names: c.2060G>A, p.Gly687Glu (NM_033150.3); short protein forms G687E, G756E.
Identifiers: ClinVar variation 3775631 (VCV003775631.1).

ClinVar aggregate classification (germline): Uncertain significance (1 of 4 stars; one submission).

Conditions:
Multiple epiphyseal dysplasia, Beighton type. Identifiers: Orphanet 166011, MedGen C1851536, MONDO:0007562, OMIM 132450.

Submission:

3billion
Classification: Uncertain significance for Multiple epiphyseal dysplasia, Beighton type. Last evaluated: 2024-01-19. Review status: criteria provided, single submitter. Criteria: ACMG Guidelines, 2015. Collection method: clinical testing. Allele origin: germline. Affected: yes.
Comment: The variant is not observed in the gnomAD v2.1.1 dataset. Predicted Consequence/Location: Missense variant In silico tool predictions suggest damaging effect of the variant on gene or gene product [REVEL: 0.99 (>=0.6, sensitivity 0.68 and specificity 0.92); 3Cnet: 1.00 (>=0.6, sensitivity 0.72 and precision 0.9)]. A different missense change at the same codon (p.Gly756Val) has been reported to be associated with COL2A1 related disorder (ClinVar ID: VCV002035224). However the evidence of pathogenicity is insufficient at this time. Therefore, this variant is classified as VUS according to the recommendation of ACMG/AMP guideline.